The following is an entry in ClinVar:

NM_000077.5(CDKN2A):c.150+7AG[4]

Gene: CDKN2A (cyclin dependent kinase inhibitor 2A; minus strand). Cytogenetic location: 9p21.3.
Variant type: Microsatellite.
Coding change: c.150+7AG[4] on transcript NM_000077.5 (MANE Select); four copies in a row of the 2-base unit AG starting at c.150+7; the reference has two copies in a row; two copies, 4 bases duplicated.
Molecular consequence: intron variant. On other transcripts: frameshift variant (1).
Genome position (GRCh38, 1-based): chr9:21,974,668-21,974,671, CTCT duplicated on the plus strand (AGAG on the coding strand, the reverse complement: CDKN2A is on the minus strand). VCF-style (leftmost placement, unchanged base first): chr9-21974667-C-CCTCT. GRCh37 (hg19) VCF-style: chr9-21974666-C-CCTCT.
Other names: c.157_160dup, p.Gly54fs (NM_058197.5); c.-3-3463AG[4] (NM_001363763.2); c.194-3463AG[4] (NM_058195.4); c.150+7AG[4] (NM_001195132.2); short protein forms G54fs.
Identifiers: ClinVar variation 1549713 (VCV001549713.9), dbSNP rs2131111719, ClinGen allele CA2580616164.

ClinVar aggregate classification (germline): Benign/Likely benign. Review status: criteria provided, multiple submitters, no conflicts (2 of 4 stars). 2 submissions from 2 submitters: Benign (1); Likely benign (1). Last evaluated 2025-08-14.

Conditions:
Familial melanoma. Also called: Hereditary melanoma; Hereditary cutaneous melanoma. Identifiers: Orphanet 618, MedGen C1512419, MONDO:0018961.
Melanoma-pancreatic cancer syndrome. Identifiers: Orphanet 404560, MedGen C1838547, MONDO:0011713, OMIM 606719. Disease mechanism: loss of function.

Submissions (2):

Myriad Genetics, Inc.
Classification: Benign for Melanoma-pancreatic cancer syndrome. Last evaluated: 2025-08-14. Review status: criteria provided, single submitter. Criteria: Myriad Autosomal Dominant, Autosomal Recessive and X-Linked Classification Criteria (2023). Collection method: clinical testing. Allele origin: unknown.
Comment: This variant is considered benign. This variant is intronic and is not expected to impact mRNA splicing.

Labcorp Genetics (formerly Invitae), Labcorp
Classification: Likely benign for Familial melanoma. Last evaluated: 2021-10-19. Review status: criteria provided, single submitter. Criteria: Invitae Variant Classification Sherloc (09022015). Collection method: clinical testing. Allele origin: germline.